The following is an entry in ClinVar:

NM_032043.3(BRIP1):c.*3302G>T

Gene: BRIP1 (BRCA1 interacting DNA helicase 1; minus strand). Cytogenetic location: 17q23.2.
Variant type: single nucleotide variant.
Coding change: c.*3302G>T on transcript NM_032043.3 (MANE Select); 3302 bases downstream of the stop codon, G replaced by T.
Molecular consequence: 3 prime UTR variant.
Genome position (GRCh38, 1-based): chr17:61,679,994, C>A on the plus strand (G>T on the coding strand, the complement: BRIP1 is on the minus strand). VCF-style: chr17-61679994-C-A. GRCh37 (hg19) VCF-style: chr17-59757355-C-A.
Identifiers: ClinVar variation 890759 (VCV000890759.4), dbSNP rs188292745, ClinGen allele CA292265915.

ClinVar aggregate classification (germline): Likely benign (1 of 4 stars; one submission).

Conditions:
Fanconi anemia complementation group J. Also called: BRIP1-Related Fanconi Anemia. Identifiers: Orphanet 84, MedGen C1836860, MONDO:0012187, OMIM 609054.

Allele frequency attached by ClinVar (database versions not stated): 1000 Genomes Project 0.00220; 1000 Genomes Project 30x 0.00234; gnomAD 0.00362; TOPMed 0.00386.

Submission:

Illumina Laboratory Services, Illumina
Classification: Likely benign for Fanconi anemia complementation group J. Last evaluated: 2018-01-13. Review status: criteria provided, single submitter. Criteria: ICSL Variant Classification Criteria 13 December 2019. Collection method: clinical testing. Allele origin: germline.
Comment: This variant was observed in the ICSL laboratory as part of a predisposition screen in an ostensibly healthy population. It had not been previously curated by ICSL or reported in the Human Gene Mutation Database (HGMD: prior to June 1st, 2018), and was therefore a candidate for classification through an automated scoring system. Utilizing variant allele frequency, disease prevalence and penetrance estimates, and inheritance mode, an automated score was calculated to assess if this variant is too frequent to cause the disease. Based on the score and internal cut-off values, a variant classified as likely benign is not then subjected to further curation. The score for this variant resulted in a classification of likely benign for this disease.